The following is an entry in ClinVar:

NM_003114.5(SPAG1):c.985G>T (p.Ala329Ser)

Gene: SPAG1 (sperm associated antigen 1; plus strand). Cytogenetic location: 8q22.2.
Variant type: single nucleotide variant.
Coding change: c.985G>T on transcript NM_003114.5 (MANE Select); coding-DNA position 985, G replaced by T.
Protein change: p.Ala329Ser; replaces alanine 329 with serine.
Molecular consequence: missense variant.
Genome position (GRCh38, 1-based): chr8:100,194,157, G>T. VCF-style: chr8-100194157-G-T. GRCh37 (hg19) VCF-style: chr8-101206385-G-T.
Other names: c.985G>T, p.Ala329Ser (NM_001374321.1, NM_172218.3); short protein forms A329S.
Identifiers: ClinVar variation 1377041 (VCV001377041.5), dbSNP rs543044004, ClinGen allele CA4827417.

ClinVar aggregate classification (germline): Uncertain significance (1 of 4 stars; one submission).

Conditions:
Primary ciliary dyskinesia 28. Also called: CILIARY DYSKINESIA, PRIMARY, 28, WITH OR WITHOUT SITUS INVERSUS. Identifiers: Orphanet 244, MedGen C3809706, MONDO:0014216, OMIM 615505.

Allele frequency attached by ClinVar (database versions not stated): TOPMed below 0.00001; gnomAD 0.00001; ExAC 0.00006; gnomAD exomes 0.00007; 1000 Genomes Project 30x 0.00016; 1000 Genomes Project 0.00020.
gnomAD v4.1: 33 of 1,599,460 alleles (0.0021%); highest among the groups gnomAD compares: South Asian, 0.032%; no homozygotes.

Submission:

Labcorp Genetics (formerly Invitae), Labcorp
Classification: Uncertain significance for Primary ciliary dyskinesia 28. Last evaluated: 2021-09-02. Review status: criteria provided, single submitter. Criteria: Invitae Variant Classification Sherloc (09022015). Collection method: clinical testing. Allele origin: germline.
Comment: This sequence change replaces alanine with serine at codon 329 of the SPAG1 protein (p.Ala329Ser). The alanine residue is weakly conserved and there is a moderate physicochemical difference between alanine and serine. This variant is present in population databases (rs543044004, ExAC 0.04%). This variant has not been reported in the literature in individuals affected with SPAG1-related conditions. Algorithms developed to predict the effect of missense changes on protein structure and function (SIFT, PolyPhen-2, Align-GVGD) all suggest that this variant is likely to be tolerated. In summary, the available evidence is currently insufficient to determine the role of this variant in disease. Therefore, it has been classified as a Variant of Uncertain Significance.